The following is an entry in ClinVar:

ClinVar aggregate classification (germline): Likely pathogenic (1 of 4 stars; one submission).

Submission:

Dasa
Classification: Likely pathogenic. Last evaluated: 2025-04-01. Review status: criteria provided, single submitter. Criteria: DASA Assertion Criteria. Collection method: clinical testing. Allele origin: germline.
Comment: NM_014946.4(SPAST):c.1722dup (p.Ser575Glnfs*2) is a frameshift variant in SPAST predicted to alter the reading frame and introduce a premature termination codon and is predicted to result in an absent or altered protein product. Loss of function is an established disease mechanism for SPAST (PMID: 24690193; PMID: 28572275; PMID: 15667412). Also, this variant is absent from population databases. Based on the currently available evidence, this variant is classified as likely pathogenic.

Literature cited by the submitters: PubMed 24690193; PubMed 28572275; PubMed 15667412.

NM_014946.4(SPAST):c.1722dup (p.Ser575fs)

Gene: SPAST (spastin; plus strand). Cytogenetic location: 2p22.3.
Variant type: Duplication.
Coding change: c.1722dup on transcript NM_014946.4 (MANE Select); coding-DNA position 1722, one base duplicated (C; older notation c.1722dupC).
Protein change: p.Ser575fs; shifts the reading frame from serine 575.
Molecular consequence: frameshift variant.
Genome position (GRCh38, 1-based): chr2:32,147,252, C duplicated; the last of 2 consecutive C bases (chr2:32,147,251-32,147,252); duplicating either gives the same sequence. VCF-style (leftmost placement, unchanged base first): chr2-32147250-G-GC. GRCh37 (hg19) VCF-style: chr2-32372319-G-GC.
Other names: c.1719dup, p.Ser574fs (NM_001363823.2); c.1623dup, p.Ser542fs (NM_001363875.2); c.1555dup, p.Gln519fs (NM_001377959.1); c.1626dup, p.Ser543fs (NM_199436.2); short protein forms Q519fs, S542fs, S543fs, S574fs, S575fs.
Identifiers: ClinVar variation 4886460 (VCV004886460.2).